The following is an entry in ClinVar:

NM_001267550.2(TTN):c.75468_75469delinsCT (p.Arg25157Ter)

Genes: TTN (titin; minus strand), TTN-AS1 (TTN antisense RNA 1; plus strand). Cytogenetic location: 2q31.2.
Variant type: Indel.
Coding change: c.75468_75469delinsCT on transcript NM_001267550.2 (MANE Select); coding-DNA positions 75468 to 75469, TC replaced by CT.
Protein change: p.Arg25157Ter; replaces arginine 25157 with a stop codon.
Molecular consequence: nonsense.
Genome position (GRCh38, 1-based): chr2:178,570,663-178,570,664, GA replaced by AG on the plus strand (TC replaced by CT on the coding strand, the reverse complement: TTN is on the minus strand). VCF-style: chr2-178570663-GA-AG. GRCh37 (hg19) VCF-style: chr2-179435390-GA-AG.
Other names: c.70545_70546delinsCT, p.Arg23516Ter (NM_001256850.1); c.48273_48274delinsCT, p.Arg16092Ter (NM_003319.4); c.67764_67765delinsCT, p.Arg22589Ter (NM_133378.4); c.48648_48649delinsCT, p.Arg16217Ter (NM_133432.3); c.48849_48850delinsCT, p.Arg16284Ter (NM_133437.4); c.48273_48274delTCinsCT (NM_003319.4); short protein forms R16092*, R16217*, R16284*, R25157*, R22589*, R23516*.
Identifiers: ClinVar variation 1743390 (VCV001743390.2), dbSNP rs2468459965, ClinGen allele CA2580064661.

ClinVar aggregate classification (germline): Likely pathogenic (1 of 4 stars; one submission).

Conditions:
Cardiovascular phenotype. Identifiers: MedGen CN230736.

Submission:

Ambry Genetics
Classification: Likely pathogenic for Cardiovascular phenotype. Last evaluated: 2021-05-10. Review status: criteria provided, single submitter. Criteria: Ambry Variant Classification Scheme 2023. Collection method: clinical testing. Allele origin: germline.
Comment: The c.48273_48274delTCinsCT variant (also known as p.R16092*), located in coding exon 153 of the TTN gene, results from an in-frame deletion of TC and insertion of CT at nucleotide positions 48273 to 48274. This changes the amino acid from an arginine to a stop codon within coding exon 153. This exon is located in the A-band region of the N2-B isoform of the titin protein and is constitutively expressed in TTN transcripts (percent spliced in or PSI 100%). A similar truncation, c.48274C>T p.R16092* (described as NM_001267550.1:c.75469C>T p.R25157X), was reported in one individual from a distal myopathy cohort, and an M-line TTN variant was also detected (Peri S et al. Eur J Hum Genet, 2017 05;25:572-581). This alteration is expected to result in loss of function by premature protein truncation or nonsense-mediated mRNA decay. While truncating variants in TTN are present in 1-3% of the general population, truncating variants in the A-band are the most common cause of dilated cardiomyopathy (DCM) (Herman DS et al. N. Engl. J. Med., 2012 Feb;366:619-28; Roberts AM et al. Sci Transl Med, 2015 Jan;7:270ra6). TTN truncating variants encoded in constitutive exons (PSI >90%) have been found to be significantly associated with DCM regardless of their position in titin (Schafer S et al. Nat. Genet., 2017 01;49:46-53). As such, this alteration is classified as likely pathogenic.

Literature cited by the submitters: PubMed 28295036.